The following is an entry in ClinVar:

NM_001276270.2(MBD4):c.1648-11G>A

Gene: MBD4 (methyl-CpG binding domain 4, DNA glycosylase; minus strand). Cytogenetic location: 3q21.3.
Variant type: single nucleotide variant.
Coding change: c.1648-11G>A on transcript NM_001276270.2 (MANE Select); 11 bases into the intron before coding-DNA position 1648, G replaced by A.
Molecular consequence: intron variant.
Genome position (GRCh38, 1-based): chr3:129,431,589, C>T on the plus strand (G>A on the coding strand, the complement: MBD4 is on the minus strand). VCF-style: chr3-129431589-C-T. GRCh37 (hg19) VCF-style: chr3-129150432-C-T.
Other names: c.712-11G>A (NM_001276273.2); c.1613-11G>A (NM_001276272.2); c.1666-11G>A (NM_003925.3).
Identifiers: ClinVar variation 3687399 (VCV003687399.3).

ClinVar aggregate classification (germline): Likely benign. Review status: criteria provided, multiple submitters, no conflicts (2 of 4 stars). 2 submissions from 2 submitters: Likely benign (2). Last evaluated 2026-06-09.

Conditions:
Tumor predisposition syndrome 2 (TPDS2). Also called: MBD4-Related Tumor Predisposition Syndrome; MBD4-associated neoplasia syndrome (MANS); MBD4-ASSOCIATED NEOPLASIA SYNDROME. Identifiers: Orphanet 661526, MedGen C5774186, MONDO:0859267, OMIM 619975.

gnomAD v4.1: 6 of 1,585,606 alleles (0.00038%); highest among the groups gnomAD compares: Non-Finnish European, 0.00052%; no homozygotes.

Submissions (2):

Myriad Genetics, Inc.
Classification: Likely benign for Tumor predisposition syndrome 2. Last evaluated: 2026-06-09. Review status: criteria provided, single submitter. Criteria: Myriad Autosomal Dominant, Autosomal Recessive and X-Linked Classification Criteria (2023). Collection method: clinical testing. Allele origin: unknown.
Comment: This variant is considered likely benign. This variant is intronic and is not expected to impact mRNA splicing.

Labcorp Genetics (formerly Invitae), Labcorp
Classification: Likely benign. Last evaluated: 2025-04-13. Review status: criteria provided, single submitter. Criteria: Invitae Variant Classification Sherloc (09022015). Collection method: clinical testing. Allele origin: germline.